The following is an entry in ClinVar:

NM_024577.4(SH3TC2):c.*39A>C

Gene: SH3TC2 (SH3 domain and tetratricopeptide repeats 2; minus strand). Cytogenetic location: 5q32.
Variant type: single nucleotide variant.
Coding change: c.*39A>C on transcript NM_024577.4 (MANE Select); 39 bases downstream of the stop codon, A replaced by C.
Molecular consequence: 3 prime UTR variant.
Genome position (GRCh38, 1-based): chr5:149,004,672, T>G on the plus strand (A>C on the coding strand, the complement: SH3TC2 is on the minus strand). VCF-style: chr5-149004672-T-G. GRCh37 (hg19) VCF-style: chr5-148384235-T-G.
Identifiers: ClinVar variation 906375 (VCV000906375.5), dbSNP rs76579569, ClinGen allele CA3498601.

ClinVar aggregate classification (germline): Benign. Review status: criteria provided, multiple submitters, no conflicts (2 of 4 stars). 3 submissions from 2 submitters: Benign (3). Last evaluated 2018-06-28.

Conditions:
Susceptibility to mononeuropathy of the median nerve, mild. Also called: CARPAL TUNNEL SYNDROME, SUSCEPTIBILITY TO. Identifiers: MedGen C3150596, MONDO:0013237, OMIM 613353.
Charcot-Marie-Tooth disease type 4C (CMT4C). Also called: CHARCOT-MARIE-TOOTH DISEASE, DEMYELINATING, TYPE 4C; SH3TC2-Related Hereditary Motor and Sensory Neuropathy; Charcot-Marie-Tooth Neuropathy Type 4C (CMT4C); CHARCOT-MARIE-TOOTH DISEASE, DEMYELINATING, AUTOSOMAL RECESSIVE, TYPE 4C; CMT 4C. Identifiers: Orphanet 99949, MedGen C1866636, MONDO:0011113, OMIM 601596.

Allele frequency attached by ClinVar (database versions not stated): gnomAD 0.00127 and 0.00200; gnomAD exomes 0.00141 and 0.00475; TOPMed 0.00225; ExAC 0.00453; 1000 Genomes Project 30x 0.01343; 1000 Genomes Project 0.01458.
gnomAD v4.1: 2,485 of 1,608,934 alleles (0.15%); highest among the groups gnomAD compares: East Asian, 4.3%; 58 homozygotes.

Submissions (3):

GeneDx
Classification: Benign. Last evaluated: 2018-06-28. Review status: criteria provided, single submitter. Criteria: GeneDx Variant Classification Process June 2021. Collection method: clinical testing. Allele origin: germline. Affected: yes.

Illumina Laboratory Services, Illumina
Classification: Benign for Charcot-Marie-Tooth disease type 4C. Last evaluated: 2018-01-12. Review status: criteria provided, single submitter. Criteria: ICSL Variant Classification Criteria 13 December 2019. Collection method: clinical testing. Allele origin: germline.
Comment: This variant was observed in the ICSL laboratory as part of a predisposition screen in an ostensibly healthy population. It had not been previously curated by ICSL or reported in the Human Gene Mutation Database (HGMD: prior to June 1st, 2018), and was therefore a candidate for classification through an automated scoring system. Utilizing variant allele frequency, disease prevalence and penetrance estimates, and inheritance mode, an automated score was calculated to assess if this variant is too frequent to cause the disease. Based on the score and internal cut-off values, a variant classified as benign is not then subjected to further curation. The score for this variant resulted in a classification of benign for this disease.

Illumina Laboratory Services, Illumina
Classification: Benign for Susceptibility to mononeuropathy of the median nerve, mild. Last evaluated: 2018-01-12. Review status: criteria provided, single submitter. Criteria: ICSL Variant Classification Criteria 13 December 2019. Collection method: clinical testing. Allele origin: germline.
Comment: the same text as in the submission from Illumina Laboratory Services, Illumina above.